The following is an entry in ClinVar:

ClinVar aggregate classification (germline): Uncertain significance (1 of 4 stars; one submission).

Submission:

CeGaT Center for Human Genetics Tuebingen
Classification: Uncertain significance. Last evaluated: 2024-05-01. Review status: criteria provided, single submitter. Criteria: CeGaT Center For Human Genetics Tuebingen Variant Classification Criteria Version 2. Collection method: clinical testing. Allele origin: germline. Affected: yes. Observed: 1 variant allele.
Comment: TTN: PM2, BP4

NM_001267550.2(TTN):c.37186G>A (p.Val12396Ile)

Gene: TTN (titin; minus strand). Cytogenetic location: 2q31.2.
Variant type: single nucleotide variant.
Coding change: c.37186G>A on transcript NM_001267550.2 (MANE Select); coding-DNA position 37186, G replaced by A.
Protein change: p.Val12396Ile; replaces valine 12396 with isoleucine.
Molecular consequence: missense variant. On other transcripts: intron variant (5).
Genome position (GRCh38, 1-based): chr2:178,661,963, C>T on the plus strand (G>A on the coding strand, the complement: TTN is on the minus strand). VCF-style: chr2-178661963-C-T. GRCh37 (hg19) VCF-style: chr2-179526690-C-T.
Other names: c.13283-19646G>A (NM_003319.4); c.13859-19646G>A (NM_133437.4); c.13658-19646G>A (NM_133432.3); c.31573+1003G>A (NM_133378.4); c.34354+1003G>A (NM_001256850.1); short protein forms V12396I.
Identifiers: ClinVar variation 3239420 (VCV003239420.19), dbSNP rs2472816330.
Genomic context (GRCh38, chr2:178,661,963, plus strand): 5'-CAGAGGAATTGGATCTTCTGAAGCTTAAGGTCAAATGACAAGTACCTGTAACAGGTGGAA[C>T]TTCTGGCTTTTTAGGAAGCACCAGTGTTTTCTTTTCTGGCACAATTTCTTGTGGGACTTC-3'
Protein context (NP_001254479.2, residues 12386-12406): KTLVLPKKPE[Val12396Ile]PPVTVPEAPK